The following is an entry in ClinVar:

ClinVar aggregate classification (germline): Uncertain significance (1 of 4 stars; one submission).

Conditions:
Cardiovascular phenotype. Identifiers: MedGen CN230736.
Hereditary cancer-predisposing syndrome. Also called: Hereditary neoplastic syndrome; Neoplastic Syndromes, Hereditary; Tumor predisposition; Hereditary Cancer Syndrome. Identifiers: Orphanet 140162, MedGen C0027672, MeSH D009386, MONDO:0015356.

Submission:

Ambry Genetics
Classification: Uncertain significance for Cardiovascular phenotype; Hereditary cancer-predisposing syndrome. Last evaluated: 2025-07-29. Review status: criteria provided, single submitter. Criteria: Ambry Variant Classification Scheme 2023. Collection method: clinical testing. Allele origin: germline.
Comment: The p.Q1596H variant (also known as c.4788A>T), located in coding exon 36 of the NF1 gene, results from an A to T substitution at nucleotide position 4788. The glutamine at codon 1596 is replaced by histidine, an amino acid with highly similar properties. This amino acid position is highly conserved in available vertebrate species. In addition, the in silico prediction for this alteration is inconclusive. Based on the available evidence, the clinical significance of this variant remains unclear.

NM_001042492.3(NF1):c.4851A>T (p.Gln1617His)

Gene: NF1 (neurofibromin 1; plus strand). Cytogenetic location: 17q11.2.
Variant type: single nucleotide variant.
Coding change: c.4851A>T on transcript NM_001042492.3 (MANE Select); coding-DNA position 4851, A replaced by T.
Protein change: p.Gln1617His; replaces glutamine 1617 with histidine.
Molecular consequence: missense variant.
Genome position (GRCh38, 1-based): chr17:31,325,835, A>T. VCF-style: chr17-31325835-A-T. GRCh37 (hg19) VCF-style: chr17-29652853-A-T.
Other names: c.4788A>T, p.Gln1596His (NM_000267.4); short protein forms Q1596H, Q1617H.
Identifiers: ClinVar variation 4119101 (VCV004119101.1).